The following is an entry in ClinVar:

NM_173660.5(DOK7):c.54+25_54+26insCG

Gene: DOK7 (docking protein 7; plus strand). Cytogenetic location: 4p16.3.
Variant type: Insertion.
Coding change: c.54+25_54+26insCG on transcript NM_173660.5 (MANE Select); bases 25 to 26 of the intron after coding-DNA position 54, CG inserted.
Molecular consequence: intron variant.
Genome position: GRCh38 VCF-style: chr4-3463453-G-GGC. GRCh37 (hg19) VCF-style: chr4-3465180-G-GGC.
Other names: c.54+25_54+26insCG (NM_001301071.2, NM_001363811.2, NM_001164673.2 and 1 more transcripts).
Identifiers: ClinVar variation 1612407 (VCV001612407.10), dbSNP rs906657133, ClinGen allele CA549329524.

ClinVar aggregate classification (germline): Likely benign. Review status: criteria provided, single submitter (1 of 4 stars). 2 submissions from 2 submitters: Likely benign (1). 1 of the submissions does not count toward it. Last evaluated 2026-01-17.

Conditions:
DOK7-related disorder. Also called: DOK7-related condition.
Congenital myasthenic syndrome 10. Also called: Myasthenia, limb-girdle, familial. Identifiers: Orphanet 590, MedGen C1850792, MONDO:0009690, OMIM 254300.
Fetal akinesia deformation sequence 1 (FADS1). Also called: Fetal akinesia sequence; Pena-Shokeir syndrome type I. Identifiers: Orphanet 994, MedGen C1276035, MONDO:0100101, OMIM 208150, HP:0001989.

Submissions (2):

Labcorp Genetics (formerly Invitae), Labcorp
Classification: Likely benign for Congenital myasthenic syndrome 10; Fetal akinesia deformation sequence 1. Last evaluated: 2026-01-17. Review status: criteria provided, single submitter. Criteria: Invitae Variant Classification Sherloc (09022015). Collection method: clinical testing. Allele origin: germline.

PreventionGenetics, part of Exact Sciences
Classification: Likely benign for DOK7-related condition. Last evaluated: 2023-05-10. Review status: no assertion criteria provided. Collection method: clinical testing. Allele origin: germline. Not counted in ClinVar's aggregate classification.
Comment: This variant is classified as likely benign based on ACMG/AMP sequence variant interpretation guidelines (Richards et al. 2015 PMID: 25741868, with internal and published modifications).